The following is an entry in ClinVar:

NM_182943.3(PLOD2):c.*847C>T

Gene: PLOD2 (procollagen-lysine,2-oxoglutarate 5-dioxygenase 2; minus strand). Cytogenetic location: 3q24.
Variant type: single nucleotide variant.
Coding change: c.*847C>T on transcript NM_182943.3 (MANE Select); 847 bases downstream of the stop codon, C replaced by T.
Molecular consequence: 3 prime UTR variant.
Genome position (GRCh38, 1-based): chr3:146,069,870, G>A on the plus strand (C>T on the coding strand, the complement: PLOD2 is on the minus strand). VCF-style: chr3-146069870-G-A. GRCh37 (hg19) VCF-style: chr3-145787657-G-A.
Other names: c.*847C>T (NM_000935.3).
Identifiers: ClinVar variation 343635 (VCV000343635.6), dbSNP rs3792347, ClinGen allele CA10615473.
Genomic context (GRCh38, chr3:146,069,870, plus strand): 5'-GTACTTAAAAAGTTTTTTAAAAAATAATTAAATGCACTACTCATCTCAATGAAATTTTTC[G>A]TTTTCCTATTTTCTAGAACTTTCTAAAAAAGGAAACAAAGCAAAAACAACAACAAAAAAA-3'

ClinVar aggregate classification (germline): Benign. Review status: criteria provided, multiple submitters, no conflicts (2 of 4 stars). 2 submissions from 2 submitters: Benign (2). Last evaluated 2018-01-13.

Conditions:
Bruck syndrome 2 (BRKS2). Also called: OSTEOGENESIS IMPERFECTA WITH CONGENITAL JOINT CONTRACTURES. Identifiers: Orphanet 2771, MedGen C1836602, MONDO:0012217, OMIM 609220.

Allele frequency attached by ClinVar (database versions not stated): gnomAD exomes 0.08894; gnomAD 0.09680 and 0.09964; TOPMed 0.10377; 1000 Genomes Project 30x 0.11914; 1000 Genomes Project 0.12041.
gnomAD v4.1: 15,114 of 151,912 alleles (9.9%); highest among the groups gnomAD compares: East Asian, 21%; 896 homozygotes.

Submissions (2):

Illumina Laboratory Services, Illumina
Classification: Benign for Bruck syndrome 2. Last evaluated: 2018-01-13. Review status: criteria provided, single submitter. Criteria: ICSL Variant Classification Criteria 13 December 2019. Collection method: clinical testing. Allele origin: germline.
Comment: This variant was observed in the ICSL laboratory as part of a predisposition screen in an ostensibly healthy population. It had not been previously curated by ICSL or reported in the Human Gene Mutation Database (HGMD: prior to June 1st, 2018), and was therefore a candidate for classification through an automated scoring system. Utilizing variant allele frequency, disease prevalence and penetrance estimates, and inheritance mode, an automated score was calculated to assess if this variant is too frequent to cause the disease. Based on the score and internal cut-off values, a variant classified as benign is not then subjected to further curation. The score for this variant resulted in a classification of benign for this disease.

Breakthrough Genomics
Classification: Benign. Review status: criteria provided, single submitter. Criteria: ACMG Guidelines, 2015. Collection method: not provided. Allele origin: germline. Inheritance: Autosomal recessive inheritance. Affected: yes.